The following is an entry in ClinVar:

NM_017763.6(RNF43):c.1546G>A (p.Asp516Asn)

Gene: RNF43 (ring finger protein 43; minus strand). Cytogenetic location: 17q22.
Variant type: single nucleotide variant.
Coding change: c.1546G>A on transcript NM_017763.6 (MANE Select); coding-DNA position 1546, G replaced by A.
Protein change: p.Asp516Asn; replaces aspartic acid 516 with asparagine.
Molecular consequence: missense variant.
Genome position (GRCh38, 1-based): chr17:58,358,230, C>T on the plus strand (G>A on the coding strand, the complement: RNF43 is on the minus strand). VCF-style: chr17-58358230-C-T. GRCh37 (hg19) VCF-style: chr17-56435591-C-T.
Other names: c.1546G>A, p.Asp516Asn (NM_001305544.3, NM_001438820.1, NM_001438821.1 and 1 more transcripts); c.1165G>A, p.Asp389Asn (NM_001305545.2, NM_001437987.1); short protein forms D516N, D389N.
Identifiers: ClinVar variation 5028346 (VCV005028346.1).

ClinVar aggregate classification (germline): Uncertain significance (1 of 4 stars; one submission).

gnomAD v4.1: 6 of 1,613,598 alleles (0.00037%); highest among the groups gnomAD compares: Non-Finnish European, 0.00042%; no homozygotes.

Submission:

Ambry Genetics
Classification: Uncertain significance. Last evaluated: 2026-08-11. Review status: criteria provided, single submitter. Criteria: Ambry Variant Classification Scheme 2023. Collection method: clinical testing. Allele origin: germline.
Comment: The p.D516N variant (also known as c.1546G>A), located in coding exon 8 of the RNF43 gene, results from a G to A substitution at nucleotide position 1546. The aspartic acid at codon 516 is replaced by asparagine, an amino acid with highly similar properties. This amino acid position is conserved. In addition, this alteration is predicted to be tolerated by in silico analysis. Based on the available evidence, the clinical significance of this variant remains unclear.